The following is an entry in ClinVar:

ClinVar aggregate classification (germline): Benign/Likely benign. Review status: criteria provided, multiple submitters, no conflicts (2 of 4 stars). 14 submissions from 13 submitters: Benign (7); Likely benign (4). 3 of the submissions do not count toward it. Last evaluated 2026-05-01.

Conditions:
Inborn genetic diseases. Identifiers: MedGen C0950123, MeSH D030342.
KCNT1-related disorder. Also called: KCNT1-related condition.
Autosomal dominant nocturnal frontal lobe epilepsy 5. Also called: CILIARY DYSKINESIA, PRIMARY, 28, WITHOUT SITUS INVERSUS; CILIARY DYSKINESIA, PRIMARY, 28, WITH SITUS INVERSUS; Epilepsy, nocturnal frontal lobe, 5; KCNT1-Related Epilepsy. Identifiers: Orphanet 98784, MedGen C3554306, MONDO:0014002, OMIM 615005.
Developmental and epileptic encephalopathy, 14 (DEE14). Also called: Early infantile epileptic encephalopathy 14. Identifiers: Orphanet 293181, MedGen C3554195, MONDO:0013989, OMIM 614959.

Allele frequency attached by ClinVar (database versions not stated): 1000 Genomes Project 30x 0.00047; 1000 Genomes Project 0.00060; ExAC 0.00086; gnomAD 0.00088 and 0.00090; gnomAD exomes 0.00090 and 0.00110; TOPMed 0.00090; ESP Exome Variant Server 0.00092.
gnomAD v4.1: 1,735 of 1,613,578 alleles (0.11%); highest among the groups gnomAD compares: Non-Finnish European, 0.13%; 1 homozygote.

Submissions (14):

CeGaT Center for Human Genetics Tuebingen
Classification: Likely benign. Last evaluated: 2026-05-01. Review status: criteria provided, single submitter. Criteria: CeGaT Center For Human Genetics Tuebingen Variant Classification Criteria Version 2. Collection method: clinical testing. Allele origin: germline. Affected: yes. Observed: 10 variant alleles.
Comment: KCNT1: BP4, BP7

Labcorp Genetics (formerly Invitae), Labcorp
Classification: Benign for Autosomal dominant nocturnal frontal lobe epilepsy 5; Developmental and epileptic encephalopathy, 14. Last evaluated: 2026-02-03. Review status: criteria provided, single submitter. Criteria: Invitae Variant Classification Sherloc (09022015). Collection method: clinical testing. Allele origin: germline.

ARUP Laboratories, Molecular Genetics and Genomics, ARUP Laboratories
Classification: Benign. Last evaluated: 2025-03-26. Review status: criteria provided, single submitter. Criteria: ARUP Molecular Germline Variant Investigation Process 2024. Collection method: clinical testing. Allele origin: germline.

Blueprint Genetics
Classification: Likely benign. Last evaluated: 2024-10-25. Review status: criteria provided, single submitter. Criteria: ACMG Guidelines, 2015. Collection method: clinical testing. Allele origin: germline.

Mayo Clinic Laboratories, Mayo Clinic
Classification: Benign. Last evaluated: 2024-08-02. Review status: criteria provided, single submitter. Criteria: ACMG Guidelines, 2015. Collection method: clinical testing. Allele origin: germline. Observed: 3 variant alleles.
Comment: BS1, BS2, BP4, BP7

Athena Diagnostics
Classification: Benign. Last evaluated: 2024-02-01. Review status: criteria provided, single submitter. Criteria: Athena Diagnostics Criteria. Collection method: clinical testing. Allele origin: unknown.

Genome-Nilou Lab
Classification: Benign for Developmental and epileptic encephalopathy, 14. Last evaluated: 2022-03-15. Review status: criteria provided, single submitter. Criteria: ACMG Guidelines, 2015. Collection method: clinical testing. Allele origin: germline. Affected: no.

Genome-Nilou Lab
Classification: Benign for Autosomal dominant nocturnal frontal lobe epilepsy 5. Last evaluated: 2022-03-15. Review status: criteria provided, single submitter. Criteria: ACMG Guidelines, 2015. Collection method: clinical testing. Allele origin: germline. Affected: no.

GeneDx
Classification: Likely benign. Last evaluated: 2020-06-29. Review status: criteria provided, single submitter. Criteria: GeneDx Variant Classification Process June 2021. Collection method: clinical testing. Allele origin: germline. Affected: yes.

Genetic Services Laboratory, University of Chicago
Classification: Benign. Last evaluated: 2016-11-15. Review status: criteria provided, single submitter. Criteria: ACMG Guidelines, 2015. Collection method: clinical testing. Allele origin: germline. Affected: no.

Ambry Genetics
Classification: Likely benign for Inborn genetic diseases. Last evaluated: 2016-07-07. Review status: criteria provided, single submitter. Criteria: Ambry Variant Classification Scheme 2023. Collection method: clinical testing. Allele origin: germline.

PreventionGenetics, part of Exact Sciences
Classification: Likely benign for KCNT1-related condition. Last evaluated: 2019-06-20. Review status: no assertion criteria provided. Collection method: clinical testing. Allele origin: germline. Not counted in ClinVar's aggregate classification.
Comment: This variant is classified as likely benign based on ACMG/AMP sequence variant interpretation guidelines (Richards et al. 2015 PMID: 25741868, with internal and published modifications).

Clinical Genetics DNA and cytogenetics Diagnostics Lab, Erasmus MC, Erasmus Medical Center
Classification: Likely benign. Review status: no assertion criteria provided. Collection method: clinical testing. Allele origin: germline. Affected: yes. Study: VKGL Data-share Consensus. Not counted in ClinVar's aggregate classification.

Genome Diagnostics Laboratory, University Medical Center Utrecht
Classification: Likely benign. Review status: no assertion criteria provided. Collection method: clinical testing. Allele origin: germline. Affected: yes. Study: VKGL Data-share Consensus. Not counted in ClinVar's aggregate classification.

NM_020822.3(KCNT1):c.1134C>T (p.Val378=)

Gene: KCNT1 (potassium sodium-activated channel subfamily T member 1; plus strand). Cytogenetic location: 9q34.3.
Variant type: single nucleotide variant.
Coding change: c.1134C>T on transcript NM_020822.3 (MANE Select); coding-DNA position 1134, C replaced by T.
Protein change: p.Val378=; no amino-acid change (valine 378 retained).
Molecular consequence: synonymous variant.
Genome position (GRCh38, 1-based): chr9:135,765,129, C>T. VCF-style: chr9-135765129-C-T. GRCh37 (hg19) VCF-style: chr9-138656975-C-T.
Other names: p.Val378=; c.999C>T, p.Val333= (NM_001272003.2).
Identifiers: ClinVar variation 211239 (VCV000211239.55), dbSNP rs149960236, ClinGen allele CA209864.
Genomic context (GRCh38, chr9:135,765,129, plus strand): 5'-GTCAGGGGGCAACTACAGCCGCCACCGTGCGCAGACGGAGAAGCACGTGGTCCTGTGTGT[C>T]AGCTCCCTCAAGATCGACCTTCTCATGGACTTCCTGAACGAGTTCTACGCCCACCCCCGG-3'
Protein context (NP_065873.2, residues 368-388): AQTEKHVVLC[Val378=]SSLKIDLLMD